The following is an entry in ClinVar:

NM_004092.4(ECHS1):c.740-230G>C

Gene: ECHS1 (enoyl-CoA hydratase, short chain 1; minus strand). Cytogenetic location: 10q26.3.
Variant type: single nucleotide variant.
Coding change: c.740-230G>C on transcript NM_004092.4 (MANE Select); 230 bases into the intron before coding-DNA position 740, G replaced by C.
Molecular consequence: intron variant.
Genome position (GRCh38, 1-based): chr10:133,364,955, C>G on the plus strand (G>C on the coding strand, the complement: ECHS1 is on the minus strand). VCF-style: chr10-133364955-C-G. GRCh37 (hg19) VCF-style: chr10-135178459-C-G.
Identifiers: ClinVar variation 673162 (VCV000673162.1), dbSNP rs61290287, ClinGen allele CA216814701.

ClinVar aggregate classification (germline): Benign (1 of 4 stars; one submission).

Allele frequency attached by ClinVar (database versions not stated): 1000 Genomes Project 0.03794; TOPMed 0.03819; 1000 Genomes Project 30x 0.04060.
gnomAD v4.1: 5,279 of 152,246 alleles (3.5%); highest among the groups gnomAD compares: African/African-American, 12%; 296 homozygotes.

Submission:

GeneDx
Classification: Benign. Last evaluated: 2018-06-14. Review status: criteria provided, single submitter. Criteria: GeneDx Variant Classification (06012015). Collection method: clinical testing. Allele origin: germline. Affected: yes.
Comment: This variant is considered likely benign or benign based on one or more of the following criteria: it is a conservative change, it occurs at a poorly conserved position in the protein, it is predicted to be benign by multiple in silico algorithms, and/or has population frequency not consistent with disease.